The following is an entry in ClinVar:

ClinVar aggregate classification (germline): Uncertain significance (1 of 4 stars; one submission).

Submission:

GeneDx
Classification: Uncertain significance. Last evaluated: 2022-07-01. Review status: criteria provided, single submitter. Criteria: GeneDx Variant Classification Process June 2021. Collection method: clinical testing. Allele origin: germline. Affected: yes.
Comment: Not observed at significant frequency in large population cohorts (gnomAD); In silico analysis supports that this missense variant does not alter protein structure/function; Has not been previously published as pathogenic or benign to our knowledge

NM_005647.4(TBL1X):c.529A>C (p.Thr177Pro)

Gene: TBL1X (transducin beta like 1 X-linked; plus strand). Cytogenetic location: Xp22.2.
Variant type: single nucleotide variant.
Coding change: c.529A>C on transcript NM_005647.4 (MANE Select); coding-DNA position 529, A replaced by C.
Protein change: p.Thr177Pro; replaces threonine 177 with proline.
Molecular consequence: missense variant.
Genome position (GRCh38, 1-based): chrX:9,688,188, A>C. VCF-style: chrX-9688188-A-C. GRCh37 (hg19) VCF-style: chrX-9656228-A-C.
Other names: c.529A>C, p.Thr177Pro (NM_001139466.1); c.376A>C, p.Thr126Pro (NM_001139467.1, NM_001139468.1); short protein forms T126P, T177P.
Identifiers: ClinVar variation 1810018 (VCV001810018.1), dbSNP rs2518578161, ClinGen allele CA411998083.